The following is an entry in ClinVar:

ClinVar aggregate classification (germline): Uncertain significance. Review status: criteria provided, multiple submitters, no conflicts (2 of 4 stars). 2 submissions from 2 submitters: Uncertain significance (2). Last evaluated 2025-12-01.

Conditions:
Inborn genetic diseases. Identifiers: MedGen C0950123, MeSH D030342.
Baraitser-Winter syndrome 1 (BRWS1). Also called: PACHYGYRIA, MENTAL RETARDATION, EPILEPSY, AND CHARACTERISTIC FACIES; MENTAL RETARDATION WITH EPILEPSY AND CHARACTERISTIC FACIES; Cerebrofrontofacial syndrome; BARAITSER-WINTER SYNDROME 1, ATYPICAL. Identifiers: Orphanet 2649, Orphanet 2995, MedGen C1855722, MONDO:0009470, OMIM 243310.

Allele frequency attached by ClinVar (database versions not stated): gnomAD exomes below 0.00001.
gnomAD v4.1: 3 of 1,614,086 alleles (0.00019%); highest among the groups gnomAD compares: Non-Finnish European, 0.00025%; no homozygotes.

Submissions (2):

Labcorp Genetics (formerly Invitae), Labcorp
Classification: Uncertain significance for Baraitser-Winter syndrome 1. Last evaluated: 2025-12-01. Review status: criteria provided, single submitter. Criteria: Invitae Variant Classification Sherloc (09022015). Collection method: clinical testing. Allele origin: germline.
Comment: This sequence change replaces threonine, which is neutral and polar, with alanine, which is neutral and non-polar, at codon 229 of the ACTB protein (p.Thr229Ala). This variant is not present in population databases (gnomAD no frequency). This variant has not been reported in the literature in individuals affected with ACTB-related conditions. ClinVar contains an entry for this variant (Variation ID: 2280571). Invitae Evidence Modeling of protein sequence and biophysical properties (such as structural, functional, and spatial information, amino acid conservation, physicochemical variation, residue mobility, and thermodynamic stability) indicates that this missense variant is not expected to disrupt ACTB protein function with a negative predictive value of 80%. In summary, the available evidence is currently insufficient to determine the role of this variant in disease. Therefore, it has been classified as a Variant of Uncertain Significance.

Ambry Genetics
Classification: Uncertain significance for Inborn genetic diseases. Last evaluated: 2022-03-29. Review status: criteria provided, single submitter. Criteria: Ambry Variant Classification Scheme 2023. Collection method: clinical testing. Allele origin: germline.

NM_001101.5(ACTB):c.685A>G (p.Thr229Ala)

Gene: ACTB (actin beta; minus strand). Cytogenetic location: 7p22.1.
Variant type: single nucleotide variant.
Coding change: c.685A>G on transcript NM_001101.5 (MANE Select); coding-DNA position 685, A replaced by G.
Protein change: p.Thr229Ala; replaces threonine 229 with alanine.
Molecular consequence: missense variant.
Genome position (GRCh38, 1-based): chr7:5,528,398, T>C on the plus strand (A>G on the coding strand, the complement: ACTB is on the minus strand). VCF-style: chr7-5528398-T-C. GRCh37 (hg19) VCF-style: chr7-5568029-T-C.
Other names: short protein forms T229A.
Identifiers: ClinVar variation 2280571 (VCV002280571.5), dbSNP rs2533847421, ClinGen allele CA366702106.